The following is an entry in ClinVar:

ClinVar aggregate classification (germline): Likely benign (1 of 4 stars; one submission).

Allele frequency attached by ClinVar (database versions not stated): gnomAD 0.00001.
gnomAD v4.1: 5 of 774,380 alleles (0.00065%); highest among the groups gnomAD compares: Non-Finnish European, 0.0011%; no homozygotes.

Submission:

GeneDx
Classification: Likely benign. Last evaluated: 2015-07-27. Review status: criteria provided, single submitter. Criteria: GeneDx Variant Classification (06012015). Collection method: clinical testing. Allele origin: germline. Affected: yes.
Comment: This variant is considered likely benign or benign based on one or more of the following criteria: it is a conservative change, it occurs at a poorly conserved position in the protein, it is predicted to be benign by multiple in silico algorithms, and/or has population frequency not consistent with disease.

NM_004329.3(BMPR1A):c.-132G>C

Gene: BMPR1A (bone morphogenetic protein receptor type 1A; plus strand). Cytogenetic location: 10q23.2.
Variant type: single nucleotide variant.
Coding change: c.-132G>C on transcript NM_004329.3 (MANE Select); 132 bases upstream of the start codon, G replaced by C.
Molecular consequence: 5 prime UTR variant.
Genome position (GRCh38, 1-based): chr10:86,875,887, G>C. VCF-style: chr10-86875887-G-C. GRCh37 (hg19) VCF-style: chr10-88635644-G-C.
Identifiers: ClinVar variation 380335 (VCV000380335.1), dbSNP rs925256154, ClinGen allele CA16605958.
Genomic context (GRCh38, chr10:86,875,887, plus strand): 5'-CAGTTGTATTCCTTACCTTTTAAATATTTTTGTCTTTCAGGAGTCGTAAGAAAGCAGTGG[G>C]AGTTGAAGTCATTGTCAAGTGCTTGCGATCTTTTACAAGAAAATCTCACTGAATGATAGT-3'